The following is an entry in ClinVar:

NM_020975.6(RET):c.2262G>A (p.Thr754=)

Gene: RET (ret proto-oncogene; plus strand). Cytogenetic location: 10q11.21.
Variant type: single nucleotide variant.
Coding change: c.2262G>A on transcript NM_020975.6 (MANE Select); coding-DNA position 2262, G replaced by A.
Protein change: p.Thr754=; no amino-acid change (threonine 754 retained).
Molecular consequence: synonymous variant.
Genome position (GRCh38, 1-based): chr10:43,116,709, G>A. VCF-style: chr10-43116709-G-A. GRCh37 (hg19) VCF-style: chr10-43612157-G-A.
Other names: c.2262G>A, p.Thr754= (NM_000323.2, NM_001406743.1, NM_001406744.1 and 4 more transcripts); c.1500G>A, p.Thr500= (NM_001355216.2); c.2133G>A, p.Thr711= (NM_001406761.1, NM_001406762.1, NM_001406764.1); c.2127G>A, p.Thr709= (NM_001406763.1, NM_001406765.1); c.1974G>A, p.Thr658= (NM_001406766.1, NM_001406767.1, NM_001406770.1); c.1998G>A, p.Thr666= (NM_001406768.1); c.1866G>A, p.Thr622= (NM_001406769.1, NM_001406772.1); c.1824G>A, p.Thr608= (NM_001406771.1, NM_001406773.1); and 10 more.
Identifiers: ClinVar variation 477341 (VCV000477341.22), dbSNP rs779080598, ClinGen allele CA038091.

ClinVar aggregate classification (germline): Likely benign. Review status: criteria provided, multiple submitters, no conflicts (2 of 4 stars). 7 submissions from 7 submitters: Likely benign (7). Last evaluated 2026-01-13.

Conditions:
Hereditary cancer-predisposing syndrome. Also called: Hereditary Cancer Syndrome; Hereditary neoplastic syndrome; Tumor predisposition; Neoplastic Syndromes, Hereditary. Identifiers: Orphanet 140162, MedGen C0027672, MeSH D009386, MONDO:0015356.
Familial medullary thyroid carcinoma (MTC). Also called: Familial Medullary Thyroid Carcinoma (FMTC); Thyroid cancer, familial medullary; MTC, familial. Identifiers: Orphanet 653, Orphanet 99361, MedGen C1833921, MONDO:0007958, OMIM 155240.
Pheochromocytoma. Also called: MAX-Related Hereditary Paraganglioma-Pheochromocytoma Syndrome. Identifiers: Orphanet 29072, MedGen C0031511, MONDO:0008233, OMIM 171300, HP:0002666.
Multiple endocrine neoplasia type 2A. Also called: Multiple Endocrine Neoplasia Type 2A (MEN2A); MULTIPLE ENDOCRINE NEOPLASIA, TYPE IIA; PTC SYNDROME; SIPPLE SYNDROME; MEN 2A; MEN-2A syndrome. Identifiers: Orphanet 247698, Orphanet 653, MedGen C0025268, MeSH D018813, MONDO:0008234, OMIM 171400.
Hirschsprung disease, susceptibility to, 1 (HSCR1). Also called: RET-Related Hirschsprung Disease. Identifiers: Orphanet 388, MedGen C3888239, MONDO:0007723, OMIM 142623.
Multiple endocrine neoplasia type 2B. Also called: WAGENMANN-FROBOESE SYNDROME; MULTIPLE ENDOCRINE NEOPLASIA, TYPE III; MUCOSAL NEUROMA SYNDROME; Multiple Endocrine Neoplasia Type 2B (MEN2B); Multiple endocrine neoplasia, type 3; MULTIPLE ENDOCRINE NEOPLASIA, TYPE IIB. Identifiers: Orphanet 247709, Orphanet 653, MedGen C0025269, MeSH D018814, MONDO:0008082, OMIM 162300.
RET-related disorder. Also called: RET-related disorders; RET-related condition; RET-related disease.
Multiple endocrine neoplasia, type 2 (MEN2). Identifiers: Orphanet 653, MedGen C4048306, MONDO:0019003. Disease mechanism: gain of function.

Allele frequency attached by ClinVar (database versions not stated): gnomAD below 0.00001 and 0.00001; ExAC 0.00002.
gnomAD v4.1: 20 of 1,613,492 alleles (0.0012%); highest among the groups gnomAD compares: East Asian, 0.011%; no homozygotes.

Submissions (7):

Labcorp Genetics (formerly Invitae), Labcorp
Classification: Likely benign for Multiple endocrine neoplasia, type 2. Last evaluated: 2026-01-13. Review status: criteria provided, single submitter. Criteria: Invitae Variant Classification Sherloc (09022015). Collection method: clinical testing. Allele origin: germline.

PreventionGenetics, part of Exact Sciences
Classification: Likely benign for RET-related condition. Last evaluated: 2025-10-27. Review status: criteria provided, single submitter. Criteria: ACMG Guidelines, 2015. Collection method: clinical testing. Allele origin: germline.
Comment: This variant is classified as likely benign based on ACMG/AMP sequence variant interpretation guidelines (Richards et al. 2015 PMID: 25741868, with internal and published modifications).

Color Diagnostics, LLC DBA Color Health
Classification: Likely benign for Multiple endocrine neoplasia, type 2. Last evaluated: 2022-11-07. Review status: criteria provided, single submitter. Criteria: ACMG Guidelines, 2015. Collection method: clinical testing. Allele origin: germline.

Fulgent Genetics
Classification: Likely benign for Hirschsprung disease, susceptibility to, 1; Familial medullary thyroid carcinoma; Multiple endocrine neoplasia type 2B; Pheochromocytoma; Multiple endocrine neoplasia type 2A. Last evaluated: 2022-01-02. Review status: criteria provided, single submitter. Criteria: ACMG Guidelines, 2015. Collection method: clinical testing. Allele origin: unknown.

Blueprint Genetics
Classification: Likely benign. Last evaluated: 2020-07-01. Review status: criteria provided, single submitter. Criteria: ACMG Guidelines, 2015. Collection method: clinical testing. Allele origin: germline.

Genetic Services Laboratory, University of Chicago
Classification: Likely benign. Last evaluated: 2019-08-27. Review status: criteria provided, single submitter. Criteria: ACMG Guidelines, 2015. Collection method: clinical testing. Allele origin: germline. Affected: no.

Ambry Genetics
Classification: Likely benign for Hereditary cancer-predisposing syndrome. Last evaluated: 2016-09-16. Review status: criteria provided, single submitter. Criteria: Ambry Variant Classification Scheme 2023. Collection method: clinical testing. Allele origin: germline.